The following is an entry in ClinVar:

ClinVar aggregate classification (germline): Uncertain significance (1 of 4 stars; one submission).

Conditions:
Lymphedema-posterior choanal atresia syndrome. Identifiers: Orphanet 99141, MedGen C3150875, MONDO:0013324, OMIM 613611.

gnomAD v4.1: 20 of 1,611,570 alleles (0.0012%); highest among the groups gnomAD compares: Non-Finnish European, 0.0017%; no homozygotes.

Submission:

Clinical Genomics Laboratory, Washington University in St. Louis
Classification: Uncertain significance for Lymphedema-posterior choanal atresia syndrome. Last evaluated: 2024-12-23. Review status: criteria provided, single submitter. Criteria: ACMG Guidelines, 2015. Collection method: clinical testing. Allele origin: germline.
Comment: A PTPN14 c.1882C>G (p.Leu628Val) variant was identified a near heterozygous allelic fraction of 49%, a frequency which may be consistent with germline origin. This variant, to our knowledge, has not been reported in the medical literature. It is only observed on 20/1,611,570 alleles in the general population (gnomAD v.4.1.0), indicating it is not a common variant. Computational predictors suggest that the variant does not impact PTPN14 function. Due to limited information, and based on ACMG/AMP guidelines for variant interpretation (Richards S et al., PMID: 25741868), the clinical significance of this variant is uncertain at this time.

NM_005401.5(PTPN14):c.1882C>G (p.Leu628Val)

Gene: PTPN14 (protein tyrosine phosphatase non-receptor type 14; minus strand). Cytogenetic location: 1q32.3.
Variant type: single nucleotide variant.
Coding change: c.1882C>G on transcript NM_005401.5 (MANE Select); coding-DNA position 1882, C replaced by G.
Protein change: p.Leu628Val; replaces leucine 628 with valine.
Molecular consequence: missense variant.
Genome position (GRCh38, 1-based): chr1:214,383,973, G>C on the plus strand (C>G on the coding strand, the complement: PTPN14 is on the minus strand). VCF-style: chr1-214383973-G-C. GRCh37 (hg19) VCF-style: chr1-214557316-G-C.
Other names: short protein forms L628V.
Identifiers: ClinVar variation 3600433 (VCV003600433.1).